The following is an entry in ClinVar:

ClinVar aggregate classification (germline): Pathogenic (1 of 4 stars; one submission).

Conditions:
Neuromuscular disease caused by qualitative or quantitative defects of dysferlin. Also called: Dysferlinopathy; Qualitative or quantitative defects of dysferlin. Identifiers: Orphanet 207073, MedGen C2931687, MONDO:0016145.

Submission:

Labcorp Genetics (formerly Invitae), Labcorp
Classification: Pathogenic for Neuromuscular disease caused by qualitative or quantitative defects of dysferlin. Last evaluated: 2023-11-12. Review status: criteria provided, single submitter. Criteria: Invitae Variant Classification Sherloc (09022015). Collection method: clinical testing. Allele origin: germline.
Comment: This sequence change affects an acceptor splice site in intron 26 of the DYSF gene. It is expected to disrupt RNA splicing. Variants that disrupt the donor or acceptor splice site typically lead to a loss of protein function (PMID: 16199547), and loss-of-function variants in DYSF are known to be pathogenic (PMID: 17698709, 20301480). This variant is not present in population databases (gnomAD no frequency). Disruption of this splice site has been observed in individuals with DYSF-related conditions (PMID: 26671124, 32400077). Algorithms developed to predict the effect of sequence changes on RNA splicing suggest that this variant may disrupt the consensus splice site. For these reasons, this variant has been classified as Pathogenic.

Literature cited by the submitters: PubMed 16199547; PubMed 17698709; PubMed 20301480; PubMed 26671124; PubMed 32400077.

NM_001130987.2(DYSF):c.2865-2A>G

Gene: DYSF (dysferlin; plus strand). Cytogenetic location: 2p13.2.
Variant type: single nucleotide variant.
Coding change: c.2865-2A>G on transcript NM_001130987.2 (MANE Select); the canonical splice acceptor site of the intron before coding-DNA position 2865, A replaced by G.
Molecular consequence: splice acceptor variant.
Genome position (GRCh38, 1-based): chr2:71,569,818, A>G. VCF-style: chr2-71569818-A-G. GRCh37 (hg19) VCF-style: chr2-71796948-A-G.
Other names: c.2904-2A>G (NM_001130979.2); c.2862-2A>G (NM_001130981.2, NM_001130980.2); c.2811-2A>G (NM_001130978.2, NM_003494.4); c.2769-2A>G (NM_001130977.2, NM_001130976.2); c.2907-2A>G (NM_001130982.2); c.2865-2A>G (NM_001130985.2); c.2814-2A>G (NM_001130983.2, NM_001130455.2); c.2772-2A>G (NM_001130984.2, NM_001130986.2).
Identifiers: ClinVar variation 2750971 (VCV002750971.3), dbSNP rs886043964, ClinGen allele CA347215847.